The following is an entry in ClinVar:

NM_020708.5(SLC12A5):c.1447T>C (p.Ser483Pro)

Gene: SLC12A5 (solute carrier family 12 member 5; plus strand). Cytogenetic location: 20q13.12.
Variant type: single nucleotide variant.
Coding change: c.1447T>C on transcript NM_020708.5 (MANE Select); coding-DNA position 1447, T replaced by C.
Protein change: p.Ser483Pro; replaces serine 483 with proline.
Molecular consequence: missense variant.
Genome position (GRCh38, 1-based): chr20:46,045,018, T>C. VCF-style: chr20-46045018-T-C. GRCh37 (hg19) VCF-style: chr20-44673657-T-C.
Other names: c.1516T>C, p.Ser506Pro (NM_001134771.2); c.1516T>C (NM_001134771.1); short protein forms S506P, S483P.
Identifiers: ClinVar variation 857978 (VCV000857978.13), dbSNP rs2084581427, ClinGen allele CA409194851.

ClinVar aggregate classification (germline): Uncertain significance. Review status: criteria provided, multiple submitters, no conflicts (2 of 4 stars). 2 submissions from 2 submitters: Uncertain significance (2). Last evaluated 2023-08-21.

Conditions:
Developmental and epileptic encephalopathy, 34 (DEE34). Also called: Early infantile epileptic encephalopathy 34; SLC12A5-Related Epilepsy of Infancy with Migrating Focal Seizures. Identifiers: Orphanet 293181, MedGen C4225257, MONDO:0014718, OMIM 616645.

Submissions (2):

Women's Health and Genetics/Laboratory Corporation of America, LabCorp
Classification: Uncertain significance. Last evaluated: 2023-08-21. Review status: criteria provided, single submitter. Criteria: LabCorp Variant Classification Summary - May 2015. Collection method: clinical testing. Allele origin: germline.
Comment: Variant summary: SLC12A5 c.1516T>C (p.Ser506Pro) results in a non-conservative amino acid change located in the Amino acid permease/ SLC12A domain (IPR004841) of the encoded protein sequence. Five of five in-silico tools predict a damaging effect of the variant on protein function. The variant was absent in 251384 control chromosomes (gnomAD). The available data on variant occurrences in the general population are insufficient to allow any conclusion about variant significance. To our knowledge, no occurrence of c.1516T>C in individuals affected with Developmental And Epileptic Encephalopathy, 34 and no experimental evidence demonstrating its impact on protein function have been reported. One submitter has cited clinical-significance assessments for this variant to ClinVar after 2014 and has classified the variant as uncertain significance. Based on the evidence outlined above, the variant was classified as uncertain significance.

Labcorp Genetics (formerly Invitae), Labcorp
Classification: Uncertain significance for Developmental and epileptic encephalopathy, 34. Last evaluated: 2019-12-27. Review status: criteria provided, single submitter. Criteria: Invitae Variant Classification Sherloc (09022015). Collection method: clinical testing. Allele origin: germline.
Comment: In summary, the available evidence is currently insufficient to determine the role of this variant in disease. Therefore, it has been classified as a Variant of Uncertain Significance. Algorithms developed to predict the effect of missense changes on protein structure and function are either unavailable or do not agree on the potential impact of this missense change (SIFT: "Tolerated"; PolyPhen-2: "Possibly Damaging"; Align-GVGD: "Class C0"). This variant has not been reported in the literature in individuals with SLC12A5-related conditions. This variant is not present in population databases (ExAC no frequency). This sequence change replaces serine with proline at codon 483 of the SLC12A5 protein (p.Ser483Pro). The serine residue is moderately conserved and there is a moderate physicochemical difference between serine and proline.